The following is an entry in ClinVar:

NM_030662.4(MAP2K2):c.1193C>G (p.Thr398Ser)

Gene: MAP2K2 (mitogen-activated protein kinase kinase 2; minus strand). Cytogenetic location: 19p13.3.
Variant type: single nucleotide variant.
Coding change: c.1193C>G on transcript NM_030662.4 (MANE Select); coding-DNA position 1193, C replaced by G.
Protein change: p.Thr398Ser; replaces threonine 398 with serine.
Molecular consequence: missense variant.
Genome position (GRCh38, 1-based): chr19:4,090,608, G>C on the plus strand (C>G on the coding strand, the complement: MAP2K2 is on the minus strand). VCF-style: chr19-4090608-G-C. GRCh37 (hg19) VCF-style: chr19-4090606-G-C.
Other names: short protein forms T398S.
Identifiers: ClinVar variation 2968748 (VCV002968748.3), dbSNP rs758299115, ClinGen allele CA403380641.

ClinVar aggregate classification (germline): Uncertain significance (1 of 4 stars; one submission).

Conditions:
RASopathy. Also called: rasopathies; Noonan spectrum disorder. Identifiers: Orphanet 536391, MedGen C5555857, MONDO:0021060.

Allele frequency attached by ClinVar (database versions not stated): TOPMed below 0.00001.

Submission:

Labcorp Genetics (formerly Invitae), Labcorp
Classification: Uncertain significance for RASopathy. Last evaluated: 2025-08-20. Review status: criteria provided, single submitter. Criteria: Invitae Variant Classification Sherloc (09022015). Collection method: clinical testing. Allele origin: germline.
Comment: This sequence change replaces threonine, which is neutral and polar, with serine, which is neutral and polar, at codon 398 of the MAP2K2 protein (p.Thr398Ser). This variant is present in population databases (no rsID available, gnomAD 0.004%). This variant has not been reported in the literature in individuals affected with MAP2K2-related conditions. ClinVar contains an entry for this variant (Variation ID: 2968748). Invitae Evidence Modeling of protein sequence and biophysical properties (such as structural, functional, and spatial information, amino acid conservation, physicochemical variation, residue mobility, and thermodynamic stability) indicates that this missense variant is not expected to disrupt MAP2K2 protein function with a negative predictive value of 95%. In summary, the available evidence is currently insufficient to determine the role of this variant in disease. Therefore, it has been classified as a Variant of Uncertain Significance.